The following is an entry in ClinVar:

NM_170606.3(KMT2C):c.7841G>A (p.Gly2614Asp)

Gene: KMT2C (lysine methyltransferase 2C; minus strand). Cytogenetic location: 7q36.1.
Variant type: single nucleotide variant.
Coding change: c.7841G>A on transcript NM_170606.3 (MANE Select); coding-DNA position 7841, G replaced by A.
Protein change: p.Gly2614Asp; replaces glycine 2614 with aspartic acid.
Molecular consequence: missense variant.
Genome position (GRCh38, 1-based): chr7:152,177,612, C>T on the plus strand (G>A on the coding strand, the complement: KMT2C is on the minus strand). VCF-style: chr7-152177612-C-T. GRCh37 (hg19) VCF-style: chr7-151874697-C-T.
Other names: short protein forms G2614D.
Identifiers: ClinVar variation 989340 (VCV000989340.4), dbSNP rs767634921, ClinGen allele CA370084723.

ClinVar aggregate classification (germline): Uncertain significance (1 of 4 stars; one submission).

Conditions:
KMT2C-related disorder. Also called: KMT2C-related disorders; KMT2C-related condition.

Submission:

Illumina Laboratory Services, Illumina
Classification: Uncertain significance for KMT2C-related disorders. Last evaluated: 2019-04-26. Review status: criteria provided, single submitter. Criteria: ICSLVariantClassificationCriteria RUGD 01 April 2020. Collection method: clinical testing. Allele origin: unknown.
Comment: The KMT2C c.7841G>A (p.Gly2614Asp) variant is a missense variant. A literature search was performed for the gene, cDNA change, and amino acid change. No publications were found based on this search. This variant is not found in the Genome Aggregation Database in a region of good sequence coverage, so the variant is presumed to be rare. Based on the limited evidence, the p.Gly2614Asp variant is classified as a variant of uncertain significance for KMT2C-related disorders.